The following is an entry in ClinVar:

ClinVar aggregate classification (germline): Uncertain significance. Review status: criteria provided, multiple submitters, no conflicts (2 of 4 stars). 2 submissions from 2 submitters: Uncertain significance (2). Last evaluated 2023-08-20.

Conditions:
Idiopathic Pulmonary Fibrosis. Also called: Idiopathic fibrosing alveolitis, chronic form; idiopathic fibrosing alveolitis. Identifiers: Orphanet 2032, MedGen C1800706, MeSH D054990, MONDO:0800504.
Dyskeratosis congenita, autosomal dominant 2. Identifiers: MedGen C3151443, MONDO:0013521, OMIM 613989.

Submissions (2):

Baylor Genetics
Classification: Uncertain significance for Dyskeratosis congenita, autosomal dominant 2. Last evaluated: 2023-08-20. Review status: criteria provided, single submitter. Criteria: ACMG Guidelines, 2015. Collection method: clinical testing. Allele origin: unknown.

Labcorp Genetics (formerly Invitae), Labcorp
Classification: Uncertain significance for Dyskeratosis congenita, autosomal dominant 2; Idiopathic Pulmonary Fibrosis. Last evaluated: 2023-03-02. Review status: criteria provided, single submitter. Criteria: Invitae Variant Classification Sherloc (09022015). Collection method: clinical testing. Allele origin: germline.
Comment: In summary, the available evidence is currently insufficient to determine the role of this variant in disease. Therefore, it has been classified as a Variant of Uncertain Significance. Advanced modeling of protein sequence and biophysical properties (such as structural, functional, and spatial information, amino acid conservation, physicochemical variation, residue mobility, and thermodynamic stability) performed at Invitae indicates that this missense variant is not expected to disrupt TERT protein function. ClinVar contains an entry for this variant (Variation ID: 1378144). This variant has not been reported in the literature in individuals affected with TERT-related conditions. This variant is not present in population databases (gnomAD no frequency). This sequence change replaces proline, which is neutral and non-polar, with alanine, which is neutral and non-polar, at codon 2 of the TERT protein (p.Pro2Ala).

NM_198253.3(TERT):c.4C>G (p.Pro2Ala)

Genes: TERT (telomerase reverse transcriptase; minus strand), LOC110806263 (TERT 5' regulatory region; plus strand). Cytogenetic location: 5p15.33.
Variant type: single nucleotide variant.
Coding change: c.4C>G on transcript NM_198253.3 (MANE Select); coding-DNA position 4, C replaced by G.
Protein change: p.Pro2Ala; replaces proline 2 with alanine.
Molecular consequence: missense variant. On other transcripts: non-coding transcript variant (2).
Genome position (GRCh38, 1-based): chr5:1,294,986, G>C on the plus strand (C>G on the coding strand, the complement: TERT is on the minus strand). VCF-style: chr5-1294986-G-C. GRCh37 (hg19) VCF-style: chr5-1295101-G-C.
Other names: c.4C>G, p.Pro2Ala (NM_001193376.3); short protein forms P2A.
Identifiers: ClinVar variation 1378144 (VCV001378144.9), dbSNP rs1751303585, ClinGen allele CA359060101.
Genomic context (GRCh38, chr5:1,294,986, plus strand): 5'-GCACCTCGCGGTAGTGGCTGCGCAGCAGGGAGCGCACGGCTCGGCAGCGGGGAGCGCGCG[G>C]CATCGCGGGGGTGGCCGGGGCCAGGGCTTCCCACGTGCGCAGCAGGACGCAGCGCTGCCT-3'
Protein context (NP_937983.2, residues 1-12): M[Pro2Ala]RAPRCRAVRS